The following is an entry in ClinVar:

NM_002693.3(POLG):c.1720C>T (p.Arg574Trp)

Gene: POLG (DNA polymerase gamma, catalytic subunit; minus strand). Cytogenetic location: 15q26.1.
Variant type: single nucleotide variant.
Coding change: c.1720C>T on transcript NM_002693.3 (MANE Select); coding-DNA position 1720, C replaced by T.
Protein change: p.Arg574Trp; replaces arginine 574 with tryptophan.
Molecular consequence: missense variant.
Genome position (GRCh38, 1-based): chr15:89,325,679, G>A on the plus strand (C>T on the coding strand, the complement: POLG is on the minus strand). VCF-style: chr15-89325679-G-A. GRCh37 (hg19) VCF-style: chr15-89868910-G-A.
Other names: p.Arg574Trp; c.1720C>T (NM_002693.2); c.1720C>T, p.Arg574Trp (NM_001126131.2); short protein forms R574W.
Identifiers: ClinVar variation 1452045 (VCV001452045.13), dbSNP rs774474723, ClinGen allele CA7724702.

ClinVar aggregate classification (germline): Pathogenic. Review status: criteria provided, multiple submitters, no conflicts (2 of 4 stars). 5 submissions from 5 submitters: Pathogenic (5). Last evaluated 2025-09-11.

Conditions:
POLG-related disorder. Also called: POLG-Related Spectrum Disorders; POLG-related condition; POLG-Related Disorders. Identifiers: MedGen C4763519.
Progressive sclerosing poliodystrophy (MTDPS4A). Also called: ALPERS DIFFUSE DEGENERATION OF CEREBRAL GRAY MATTER WITH HEPATIC CIRRHOSIS; Alpers-Huttenlocher Syndrome; Mitochondrial DNA depletion syndrome 4A (Alpers type); ALPERS PROGRESSIVE INFANTILE POLIODYSTROPHY; Alpers Syndrome; NEURONAL DEGENERATION OF CHILDHOOD WITH LIVER DISEASE, PROGRESSIVE. Identifiers: Orphanet 726, MedGen C0205710, MONDO:0008758, OMIM 203700.

Allele frequency attached by ClinVar (database versions not stated): gnomAD 0.00001; TOPMed 0.00001.
gnomAD v4.1: 13 of 1,605,794 alleles (0.00081%); highest among the groups gnomAD compares: African/African-American, 0.0013%; no homozygotes.

Submissions (5):

Mayo Clinic Laboratories, Mayo Clinic
Classification: Pathogenic. Last evaluated: 2025-09-11. Review status: criteria provided, single submitter. Criteria: ACMG Guidelines, 2015. Collection method: clinical testing. Allele origin: germline. Observed: 1 variant allele.
Comment: PP3_strong, PM2_supporting, PM3_strong, PS3_moderate

Blueprint Genetics
Classification: Pathogenic for POLG-related disorders. Last evaluated: 2024-08-26. Review status: criteria provided, single submitter. Criteria: ACMG Guidelines, 2015. Collection method: clinical testing. Allele origin: germline. Affected: yes. Observed: 5 variant alleles.

Labcorp Genetics (formerly Invitae), Labcorp
Classification: Pathogenic for Progressive sclerosing poliodystrophy. Last evaluated: 2024-03-23. Review status: criteria provided, single submitter. Criteria: Invitae Variant Classification Sherloc (09022015). Collection method: clinical testing. Allele origin: germline.
Comment: This sequence change replaces arginine, which is basic and polar, with tryptophan, which is neutral and slightly polar, at codon 574 of the POLG protein (p.Arg574Trp). This variant is present in population databases (rs774474723, gnomAD 0.01%). This missense change has been observed in individual(s) with autosomal recessive POLG-related conditions (PMID: 16621917, 16896309, 19125351). In at least one individual the data is consistent with being in trans (on the opposite chromosome) from a pathogenic variant. It has also been observed to segregate with disease in related individuals. ClinVar contains an entry for this variant (Variation ID: 1452045). Advanced modeling of protein sequence and biophysical properties (such as structural, functional, and spatial information, amino acid conservation, physicochemical variation, residue mobility, and thermodynamic stability) performed at Invitae indicates that this missense variant is expected to disrupt POLG protein function with a positive predictive value of 95%. Experimental studies have shown that this missense change affects POLG function (PMID: 20601675, 20883824, 27987238). For these reasons, this variant has been classified as Pathogenic.

Baylor Genetics
Classification: Pathogenic for Progressive sclerosing poliodystrophy. Last evaluated: 2023-11-18. Review status: criteria provided, single submitter. Criteria: ACMG Guidelines, 2015. Collection method: clinical testing. Allele origin: unknown.

GeneDx
Classification: Pathogenic. Last evaluated: 2023-03-01. Review status: criteria provided, single submitter. Criteria: GeneDx Variant Classification Process June 2021. Collection method: clinical testing. Allele origin: germline. Affected: yes.
Comment: Published functional studies found this variant is associated with significantly impaired POLG enzyme activity (Szczepanowska K and Foury F., 2010; Kasahara T et al., 2017); Not observed at significant frequency in large population cohorts (gnomAD); In silico analysis supports that this missense variant has a deleterious effect on protein structure/function; This variant is associated with the following publications: (PMID: 28815208, 27987238, 22537151, 25852747, 20883824, 16621917, 19125351, 32391929, 22342071, 20185557, 25476511, 16896309, 22237560, 20601675)

Literature cited by the submitters: PubMed 16621917 (cited by Mayo Clinic Laboratories, Mayo Clinic and Labcorp Genetics (formerly Invitae), Labcorp); PubMed 16896309 (cited by Mayo Clinic Laboratories, Mayo Clinic and Labcorp Genetics (formerly Invitae), Labcorp); PubMed 19125351 (cited by Mayo Clinic Laboratories, Mayo Clinic and Labcorp Genetics (formerly Invitae), Labcorp); PubMed 20601675 (cited by Mayo Clinic Laboratories, Mayo Clinic and Labcorp Genetics (formerly Invitae), Labcorp); PubMed 20883824 (cited by Mayo Clinic Laboratories, Mayo Clinic and Labcorp Genetics (formerly Invitae), Labcorp); PubMed 27987238 (cited by Labcorp Genetics (formerly Invitae), Labcorp).